The following is an entry in ClinVar:

ClinVar aggregate classification (germline): Likely benign (1 of 4 stars; one submission).

Allele frequency attached by ClinVar (database versions not stated): ExAC 0.00005; gnomAD 0.00008; TOPMed 0.00009; gnomAD exomes 0.00011; 1000 Genomes Project 30x 0.00016; 1000 Genomes Project 0.00020.
gnomAD v4.1: 171 of 1,613,986 alleles (0.011%); highest among the groups gnomAD compares: Non-Finnish European, 0.014%; no homozygotes.

Submission:

CeGaT Center for Human Genetics Tuebingen
Classification: Likely benign. Last evaluated: 2023-08-01. Review status: criteria provided, single submitter. Criteria: CeGaT Center For Human Genetics Tuebingen Variant Classification Criteria Version 2. Collection method: clinical testing. Allele origin: germline. Affected: yes. Observed: 2 variant alleles.
Comment: COBLL1: BP4, BP7

NM_001365672.2(COBLL1):c.2400T>G (p.Pro800=)

Gene: COBLL1 (cordon-bleu WH2 repeat protein like 1; minus strand). Cytogenetic location: 2q24.3.
Variant type: single nucleotide variant.
Coding change: c.2400T>G on transcript NM_001365672.2 (MANE Select); coding-DNA position 2400, T replaced by G.
Protein change: p.Pro800=; no amino-acid change (proline 800 retained).
Molecular consequence: synonymous variant.
Genome position (GRCh38, 1-based): chr2:164,694,992, A>C on the plus strand (T>G on the coding strand, the complement: COBLL1 is on the minus strand). VCF-style: chr2-164694992-A-C. GRCh37 (hg19) VCF-style: chr2-165551502-A-C.
Other names: c.2715T>G, p.Pro905= (NM_001278458.2); c.2538T>G, p.Pro846= (NM_001278460.2); c.2400T>G, p.Pro800= (NM_001278461.2, NM_001365673.2); c.2535T>G, p.Pro845= (NM_001365670.2); c.2577T>G, p.Pro859= (NM_001365671.1); c.2439T>G, p.Pro813= (NM_001365674.2, NM_001365675.2); c.2514T>G, p.Pro838= (NM_014900.5).
Identifiers: ClinVar variation 2651475 (VCV002651475.24), dbSNP rs560492547, ClinGen allele CA1937251.